The following is an entry in ClinVar:

ClinVar aggregate classification (germline): Pathogenic. Review status: criteria provided, multiple submitters, no conflicts (2 of 4 stars). 4 submissions from 4 submitters: Pathogenic (3). 1 of the submissions does not count toward it. Last evaluated 2022-01-03.

Conditions:
IFAP syndrome 1, with or without BRESHECK syndrome. Also called: ICHTHYOSIS FOLLICULARIS, ATRICHIA, AND PHOTOPHOBIA WITH OR WITHOUT BRAIN ANOMALIES, RETARDATION, ECTODERMAL DYSPLASIA, SKELETAL MALFORMATIONS, HIRSCHSPRUNG DISEASE, EAR/EYE ANOMALIES, CLEFT PALATE/CRYPTORCHIDISM, AND KIDNEY DYSPLASIA/HYPOPLASIA; IFAP SYNDROME 1; IFAP syndrome with or without BRESHECK syndrome. Identifiers: Orphanet 2273, Orphanet 85284, MedGen C5399971, MONDO:0100213, OMIM 308205.

Submissions (4):

3billion
Classification: Pathogenic for IFAP syndrome 1, with or without BRESHECK syndrome. Last evaluated: 2022-01-03. Review status: criteria provided, single submitter. Criteria: ACMG Guidelines, 2015. Collection method: clinical testing. Allele origin: germline. Affected: yes. Observed: 1 hemizygote.
Comment: The variant has been observed in multiple (>3) similarly affected unrelated individuals(PMID: 19361614, 23316014, PS4_S). Functional studies provide strong evidence of the variant having a damaging effect on the gene or gene product (PMID: 19361614, 23316014, PS3_S). In silico tool predictions suggest damaging effect of the variant on gene or gene product (REVEL: 0.963, PP3_P). A missense variant is a common mechanism associated with IFAP syndrome with or without BRESHECK syndrome (PP2_P). It is not observed in the gnomAD v2.1.1 dataset (PM2_M). Therefore, this variant is classified as pathogenic according to the recommendation of ACMG/AMP guideline.

GeneDx
Classification: Pathogenic. Last evaluated: 2019-10-04. Review status: criteria provided, single submitter. Criteria: GeneDx Variant Classification Process June 2021. Collection method: clinical testing. Allele origin: germline. Affected: yes.
Comment: Published functional studies demonstrate reduced enzymatic activity of the MBTPS2 protein, with variants such as R429H that are closer to the intramembranous domain being more detrimental than missense changes in the amino-terminal portion of the protein (Oeffner et al., 2009; Bornholdt et al; 2013); Not observed in large population cohorts (Lek et al., 2016); This variant is associated with the following publications: (PMID: 19361614, 23316014, 22105905, 21179107, 27380894, 27663151, 26762237, 33258288)

Eurofins Ntd Llc (ga)
Classification: Pathogenic. Last evaluated: 2012-07-23. Review status: criteria provided, single submitter. Criteria: EGL Classification Definitions 2015. Collection method: clinical testing. Allele origin: germline. Observed: 1 variant allele, 1 heterozygote.

OMIM
Classification: Pathogenic for IFAP SYNDROME 1 WITH BRESHECK SYNDROME. Last evaluated: 2012-01-01. Review status: no assertion criteria provided. Collection method: literature only. Allele origin: germline. Not counted in ClinVar's aggregate classification.

Literature cited by the submitters: PubMed 19361614 (cited by 3billion and OMIM); PubMed 23316014 (cited by 3billion); PubMed 22105905 (cited by OMIM); PubMed 24090718 (cited by OMIM).

NM_015884.4(MBTPS2):c.1286G>A (p.Arg429His)

Gene: MBTPS2 (membrane bound transcription factor peptidase, site 2; plus strand). Cytogenetic location: Xp22.12.
Variant type: single nucleotide variant.
Coding change: c.1286G>A on transcript NM_015884.4 (MANE Select); coding-DNA position 1286, G replaced by A.
Protein change: p.Arg429His; replaces arginine 429 with histidine.
Molecular consequence: missense variant.
Genome position (GRCh38, 1-based): chrX:21,880,921, G>A. VCF-style: chrX-21880921-G-A. GRCh37 (hg19) VCF-style: chrX-21899039-G-A.
Other names: short protein forms R429H.
Identifiers: ClinVar variation 11404 (VCV000011404.14), dbSNP rs122468178, ClinGen allele CA121441.